The following is an entry in ClinVar:

NM_003791.4(MBTPS1):c.2822C>T (p.Thr941Met)

Gene: MBTPS1 (membrane bound transcription factor peptidase, site 1; minus strand). Cytogenetic location: 16q23.3.
Variant type: single nucleotide variant.
Coding change: c.2822C>T on transcript NM_003791.4 (MANE Select); coding-DNA position 2822, C replaced by T.
Protein change: p.Thr941Met; replaces threonine 941 with methionine.
Molecular consequence: missense variant.
Genome position (GRCh38, 1-based): chr16:84,059,311, G>A on the plus strand (C>T on the coding strand, the complement: MBTPS1 is on the minus strand). VCF-style: chr16-84059311-G-A. GRCh37 (hg19) VCF-style: chr16-84092916-G-A.
Other names: short protein forms T941M.
Identifiers: ClinVar variation 1914875 (VCV001914875.4), dbSNP rs139138066, ClinGen allele CA8200752.

ClinVar aggregate classification (germline): Uncertain significance (1 of 4 stars; one submission).

Allele frequency attached by ClinVar (database versions not stated): gnomAD 0.00009; ESP Exome Variant Server 0.00015.
gnomAD v4.1: 42 of 1,613,378 alleles (0.0026%); highest among the groups gnomAD compares: African/African-American, 0.02%; 1 homozygote.

Submission:

Labcorp Genetics (formerly Invitae), Labcorp
Classification: Uncertain significance. Last evaluated: 2022-10-18. Review status: criteria provided, single submitter. Criteria: Invitae Variant Classification Sherloc (09022015). Collection method: clinical testing. Allele origin: germline.
Comment: In summary, the available evidence is currently insufficient to determine the role of this variant in disease. Therefore, it has been classified as a Variant of Uncertain Significance. Algorithms developed to predict the effect of missense changes on protein structure and function are either unavailable or do not agree on the potential impact of this missense change (SIFT: "Deleterious"; PolyPhen-2: "Possibly Damaging"; Align-GVGD: "Class C0"). This variant has not been reported in the literature in individuals affected with MBTPS1-related conditions. This variant is present in population databases (rs139138066, gnomAD 0.02%). This sequence change replaces threonine, which is neutral and polar, with methionine, which is neutral and non-polar, at codon 941 of the MBTPS1 protein (p.Thr941Met).